The following is an entry in ClinVar:

ClinVar aggregate classification (germline): Uncertain significance. Review status: criteria provided, multiple submitters, no conflicts (2 of 4 stars). 3 submissions from 3 submitters: Uncertain significance (3). Last evaluated 2025-10-22.

Conditions:
Inborn genetic diseases. Identifiers: MedGen C0950123, MeSH D030342.
KBG syndrome (KBGS). Also called: ANKRD11-Related KBG Syndrome. Identifiers: Orphanet 2332, MedGen C0220687, MONDO:0007846, OMIM 148050.

Submissions (3):

Ambry Genetics
Classification: Uncertain significance for Inborn genetic diseases. Last evaluated: 2025-10-22. Review status: criteria provided, single submitter. Criteria: Ambry Variant Classification Scheme 2023. Collection method: clinical testing. Allele origin: germline.

HudsonAlpha Institute for Biotechnology
Classification: Uncertain significance for KBG syndrome. Last evaluated: 2023-04-17. Review status: criteria provided, single submitter. Criteria: ACMG Guidelines, 2015. Collection method: research. Allele origin: unknown. Observed: 1 variant allele. Study: CSER-HudsonAlpha.

GeneDx
Classification: Uncertain significance. Last evaluated: 2022-03-30. Review status: criteria provided, single submitter. Criteria: GeneDx Variant Classification Process June 2021. Collection method: clinical testing. Allele origin: germline. Affected: yes.
Comment: Not observed at significant frequency in large population cohorts (gnomAD); In silico analysis supports that this missense variant has a deleterious effect on protein structure/function; Has not been previously published as pathogenic or benign to our knowledge

NM_013275.6(ANKRD11):c.448A>G (p.Thr150Ala)

Gene: ANKRD11 (ankyrin repeat domain 11; minus strand). Cytogenetic location: 16q24.3.
Variant type: single nucleotide variant.
Coding change: c.448A>G on transcript NM_013275.6 (MANE Select); coding-DNA position 448, A replaced by G.
Protein change: p.Thr150Ala; replaces threonine 150 with alanine.
Molecular consequence: missense variant. On other transcripts: non-coding transcript variant (1).
Genome position (GRCh38, 1-based): chr16:89,290,778, T>C on the plus strand (A>G on the coding strand, the complement: ANKRD11 is on the minus strand). VCF-style: chr16-89290778-T-C. GRCh37 (hg19) VCF-style: chr16-89357186-T-C.
Other names: c.448A>G, p.Thr150Ala (NM_001256182.2, NM_001256183.2); c.448A>G (NM_013275.4); short protein forms T150A.
Identifiers: ClinVar variation 1707766 (VCV001707766.4), dbSNP rs2544305991, ClinGen allele CA397167433.